The following is an entry in ClinVar:

ClinVar aggregate classification (germline): Benign/Likely benign. Review status: criteria provided, multiple submitters, no conflicts (2 of 4 stars). 7 submissions from 7 submitters: Benign (2); Likely benign (4). 1 of the submissions does not count toward it. Last evaluated 2026-01-28.

Conditions:
Xeroderma pigmentosum (XP). Identifiers: Orphanet 910, MedGen C0043346, MONDO:0019600.
Xeroderma pigmentosum, group C (XPC). Also called: XPC-Related Xeroderma Pigmentosum; Xeroderma pigmentosum, complementation group C; XERODERMA PIGMENTOSUM III; XP, GROUP C. Identifiers: Orphanet 910, MedGen C2752147, MONDO:0010211, OMIM 278720.

Allele frequency attached by ClinVar (database versions not stated): gnomAD exomes 0.00030 and 0.00075; ExAC 0.00105; ESP Exome Variant Server 0.00286; gnomAD 0.00294 and 0.00315; TOPMed 0.00328; 1000 Genomes Project 30x 0.00484; 1000 Genomes Project 0.00519.
gnomAD v4.1: 906 of 1,613,142 alleles (0.056%); highest among the groups gnomAD compares: African/African-American, 1.1%; 11 homozygotes.

Submissions (7):

Labcorp Genetics (formerly Invitae), Labcorp
Classification: Benign. Last evaluated: 2026-01-28. Review status: criteria provided, single submitter. Criteria: Invitae Variant Classification Sherloc (09022015). Collection method: clinical testing. Allele origin: germline.

Women's Health and Genetics/Laboratory Corporation of America, LabCorp
Classification: Likely benign. Last evaluated: 2022-05-03. Review status: criteria provided, single submitter. Criteria: LabCorp Variant Classification Summary - May 2015. Collection method: clinical testing. Allele origin: germline.

Genome-Nilou Lab
Classification: Benign for Xeroderma pigmentosum, group C. Last evaluated: 2021-12-05. Review status: criteria provided, single submitter. Criteria: ACMG Guidelines, 2015. Collection method: clinical testing. Allele origin: germline. Affected: no.

Sema4
Classification: Likely benign for Xeroderma pigmentosum. Last evaluated: 2021-09-13. Review status: criteria provided, single submitter. Criteria: Sema4 Curation Guidelines. Collection method: curation. Allele origin: germline.

GeneDx
Classification: Likely benign. Last evaluated: 2020-03-20. Review status: criteria provided, single submitter. Criteria: GeneDx Variant Classification Process June 2021. Collection method: clinical testing. Allele origin: germline. Affected: yes.
Comment: See Variant Classification Assertion Criteria.

Breakthrough Genomics
Classification: Likely benign. Review status: criteria provided, single submitter. Criteria: ACMG Guidelines, 2015. Collection method: not provided. Allele origin: germline. Inheritance: Autosomal recessive inheritance. Affected: yes.

ITMI
No classification provided. Condition: AllHighlyPenetrant. Last evaluated: 2013-09-19. Review status: no classification provided. Collection method: reference population. Allele origin: germline. Not counted in ClinVar's aggregate classification.
Comment: Please see associated publication for description of ethnicities

Literature cited by the submitters: PubMed 24728327 (cited by ITMI).

NM_004628.5(XPC):c.2066C>T (p.Thr689Met)

Gene: XPC (XPC complex subunit, DNA damage recognition and repair factor; minus strand). Cytogenetic location: 3p25.1.
Variant type: single nucleotide variant.
Coding change: c.2066C>T on transcript NM_004628.5 (MANE Select); coding-DNA position 2066, C replaced by T.
Protein change: p.Thr689Met; replaces threonine 689 with methionine.
Molecular consequence: missense variant. On other transcripts: non-coding transcript variant (2).
Genome position (GRCh38, 1-based): chr3:14,152,384, G>A on the plus strand (C>T on the coding strand, the complement: XPC is on the minus strand). VCF-style: chr3-14152384-G-A. GRCh37 (hg19) VCF-style: chr3-14193884-G-A.
Other names: c.1487C>T, p.Thr496Met (NM_001354726.2); c.2060C>T, p.Thr687Met (NM_001354727.2); c.2048C>T, p.Thr683Met (NM_001354729.2); c.1820C>T, p.Thr607Met (NM_001354730.2); short protein forms T689M, T607M, T683M, T496M, T687M.
Identifiers: ClinVar variation 135468 (VCV000135468.18), dbSNP rs3731152, ClinGen allele CA162862.